The following is an entry in ClinVar:

NM_001174147.2(LMX1B):c.178C>T (p.Gln60Ter)

Gene: LMX1B (LIM homeobox transcription factor 1 beta; plus strand). Cytogenetic location: 9q33.3.
Variant type: single nucleotide variant.
Coding change: c.178C>T on transcript NM_001174147.2 (MANE Select); coding-DNA position 178, C replaced by T.
Protein change: p.Gln60Ter; replaces glutamine 60 with a stop codon.
Molecular consequence: nonsense.
Genome position (GRCh38, 1-based): chr9:126,615,421, C>T. VCF-style: chr9-126615421-C-T. GRCh37 (hg19) VCF-style: chr9-129377700-C-T.
Other names: c.178C>T, p.Gln60Ter (NM_001174146.2, NM_002316.4); short protein forms Q60*.
Identifiers: ClinVar variation 1457453 (VCV001457453.6), dbSNP rs2118823223, ClinGen allele CA374909926.

ClinVar aggregate classification (germline): Pathogenic (1 of 4 stars; one submission).

Submission:

Labcorp Genetics (formerly Invitae), Labcorp
Classification: Pathogenic. Last evaluated: 2021-12-21. Review status: criteria provided, single submitter. Criteria: Invitae Variant Classification Sherloc (09022015). Collection method: clinical testing. Allele origin: germline.
Comment: This sequence change creates a premature translational stop signal (p.Gln60*) in the LMX1B gene. It is expected to result in an absent or disrupted protein product. Loss-of-function variants in LMX1B are known to be pathogenic (PMID: 9590287, 15498463). For these reasons, this variant has been classified as Pathogenic. This premature translational stop signal has been observed in individual(s) with nail-patella syndrome (PMID: 15498463, 25898926). This variant is not present in population databases (gnomAD no frequency).

Literature cited by the submitters: PubMed 9590287; PubMed 15498463; PubMed 25898926.